The following is an entry in ClinVar:

NM_001130969.3(NSMF):c.950C>T (p.Thr317Met)

Gene: NSMF (NMDA receptor synaptonuclear signaling and neuronal migration factor; minus strand). Cytogenetic location: 9q34.3.
Variant type: single nucleotide variant.
Coding change: c.950C>T on transcript NM_001130969.3 (MANE Select); coding-DNA position 950, C replaced by T.
Protein change: p.Thr317Met; replaces threonine 317 with methionine.
Molecular consequence: missense variant.
Genome position (GRCh38, 1-based): chr9:137,453,153, G>A on the plus strand (C>T on the coding strand, the complement: NSMF is on the minus strand). VCF-style: chr9-137453153-G-A. GRCh37 (hg19) VCF-style: chr9-140347605-G-A.
Other names: c.881C>T, p.Thr294Met (NM_001130970.2); c.875C>T, p.Thr292Met (NM_001130971.2); c.860C>T, p.Thr287Met (NM_001178064.2); c.944C>T, p.Thr315Met (NM_015537.5, NM_182780.1); c.950C>T (NM_001130969.1); short protein forms T292M, T294M, T287M, T317M, T315M.
Identifiers: ClinVar variation 2245233 (VCV002245233.3), dbSNP rs776985530, ClinGen allele CA5370284.

ClinVar aggregate classification (germline): Uncertain significance. Review status: criteria provided, multiple submitters, no conflicts (2 of 4 stars). 2 submissions from 2 submitters: Uncertain significance (2). Last evaluated 2025-09-20.

Conditions:
NSMF-related disorder. Also called: NSMF-related condition.

Allele frequency attached by ClinVar (database versions not stated): gnomAD 0.00002; TOPMed 0.00002; ExAC 0.00003; gnomAD exomes 0.00003.
gnomAD v4.1: 43 of 1,612,502 alleles (0.0027%); highest among the groups gnomAD compares: South Asian, 0.0077%; no homozygotes.

Submissions (2):

PreventionGenetics, part of Exact Sciences
Classification: Uncertain significance for NSMF-related condition. Last evaluated: 2025-09-20. Review status: criteria provided, single submitter. Criteria: ACMG Guidelines, 2015. Collection method: clinical testing. Allele origin: germline.
Comment: The NSMF c.950C>T variant is predicted to result in the amino acid substitution p.Thr317Met. To our knowledge, this variant has not been reported in the literature. This variant is reported in 0.0098% of alleles in individuals of South Asian descent in gnomAD. At this time, the clinical significance of this variant is uncertain due to the absence of conclusive functional and genetic evidence.

Ambry Genetics
Classification: Uncertain significance. Last evaluated: 2021-08-13. Review status: criteria provided, single submitter. Criteria: Ambry Variant Classification Scheme 2023. Collection method: clinical testing. Allele origin: germline.